The following is an entry in ClinVar:

ClinVar aggregate classification (germline): Uncertain significance. Review status: criteria provided, multiple submitters, no conflicts (2 of 4 stars). 7 submissions from 7 submitters: Uncertain significance (7). Last evaluated 2025-10-17.

Conditions:
Familial adenomatous polyposis 1 (FAP1). Also called: FAMILIAL ADENOMATOUS POLYPOSIS 1, ATTENUATED; POLYPOSIS, ADENOMATOUS INTESTINAL. Identifiers: MedGen C2713442, MONDO:0021056, OMIM 175100. Disease mechanism: loss of function.
Classic or attenuated familial adenomatous polyposis. Identifiers: MedGen CN372698, MONDO:0021057.
Hereditary cancer-predisposing syndrome. Also called: Tumor predisposition; Hereditary Cancer Syndrome; Hereditary neoplastic syndrome; Neoplastic Syndromes, Hereditary. Identifiers: Orphanet 140162, MedGen C0027672, MeSH D009386, MONDO:0015356.

Allele frequency attached by ClinVar (database versions not stated): gnomAD exomes below 0.00001 and 0.00001; TOPMed below 0.00001.
gnomAD v4.1: 3 of 1,612,326 alleles (0.00019%); highest among the groups gnomAD compares: Non-Finnish European, 0.00025%; no homozygotes.

Submissions (7):

Quest Diagnostics Nichols Institute San Juan Capistrano
Classification: Uncertain significance. Last evaluated: 2025-10-17. Review status: criteria provided, single submitter. Criteria: Quest Diagnostics criteria. Collection method: clinical testing. Allele origin: unknown.
Comment: The APC c.681C>G (p.Asp227Glu) variant has not been reported in individuals with APC-related conditions in the published literature. The frequency of this variant in the general population (Genome Aggregation Database) is uninformative in the assessment of its pathogenicity. Analysis of this variant using bioinformatics tools for the prediction of the effect of amino acid changes on protein structure and function yielded predictions that this variant is benign. Based on the available information, we are unable to determine the clinical significance of this variant.

Ambry Genetics
Classification: Uncertain significance for Hereditary cancer-predisposing syndrome. Last evaluated: 2025-06-28. Review status: criteria provided, single submitter. Criteria: Ambry Variant Classification Scheme 2023. Collection method: clinical testing. Allele origin: germline.
Comment: The p.D227E variant (also known as c.681C>G), located in coding exon 6 of the APC gene, results from a C to G substitution at nucleotide position 681. The aspartic acid at codon 227 is replaced by glutamic acid, an amino acid with highly similar properties. This amino acid position is highly conserved in available vertebrate species. In addition, in silico predictors for this gene do not accurately predict pathogenicity. Since supporting evidence is limited at this time, the clinical significance of this alteration remains unclear.

Labcorp Genetics (formerly Invitae), Labcorp
Classification: Uncertain significance for Familial adenomatous polyposis 1. Last evaluated: 2025-05-13. Review status: criteria provided, single submitter. Criteria: Invitae Variant Classification Sherloc (09022015). Collection method: clinical testing. Allele origin: germline.
Comment: This sequence change replaces aspartic acid, which is acidic and polar, with glutamic acid, which is acidic and polar, at codon 227 of the APC protein (p.Asp227Glu). This variant is present in population databases (no rsID available, gnomAD 0.0009%). This variant has not been reported in the literature in individuals affected with APC-related conditions. ClinVar contains an entry for this variant (Variation ID: 411535). Invitae Evidence Modeling of protein sequence and biophysical properties (such as structural, functional, and spatial information, amino acid conservation, physicochemical variation, residue mobility, and thermodynamic stability) indicates that this missense variant is not expected to disrupt APC protein function with a negative predictive value of 95%. In summary, the available evidence is currently insufficient to determine the role of this variant in disease. Therefore, it has been classified as a Variant of Uncertain Significance.

Women's Health and Genetics/Laboratory Corporation of America, LabCorp
Classification: Uncertain significance. Last evaluated: 2024-05-05. Review status: criteria provided, single submitter. Criteria: LabCorp Variant Classification Summary - May 2015. Collection method: clinical testing. Allele origin: germline.

Color Diagnostics, LLC DBA Color Health
Classification: Uncertain significance for Hereditary cancer-predisposing syndrome. Last evaluated: 2024-03-06. Review status: criteria provided, single submitter. Criteria: ACMG Guidelines, 2015. Collection method: clinical testing. Allele origin: germline.
Comment: This missense variant replaces aspartic acid with glutamic acid at codon 227 of the APC protein. Computational prediction suggests that this variant may not impact protein structure and function (internally defined REVEL score threshold <= 0.5, PMID: 27666373). Splice site prediction tools suggest that this variant may not impact RNA splicing. To our knowledge, functional studies have not been reported for this variant. This variant has not been reported in individuals affected with hereditary cancer in the literature. This variant has been identified in 1/251182 chromosomes in the general population by the Genome Aggregation Database (gnomAD). The available evidence is insufficient to determine the role of this variant in disease conclusively. Therefore, this variant is classified as a Variant of Uncertain Significance.

All of Us Research Program, National Institutes of Health
Classification: Uncertain significance for Classic or attenuated familial adenomatous polyposis. Last evaluated: 2023-04-27. Review status: criteria provided, single submitter. Criteria: ACMG Guidelines, 2015. Collection method: clinical testing. Allele origin: germline. Inheritance: Autosomal dominant inheritance. Observed: 1 variant allele, 1 heterozygote.
Comment: This missense variant replaces aspartic acid with glutamic acid at codon 227 of the APC protein. Computational prediction suggests that this variant may not impact protein structure and function (internally defined REVEL score threshold <= 0.5, PMID: 27666373). Splice site prediction tools suggest that this variant may not impact RNA splicing. To our knowledge, functional studies have not been reported for this variant. This variant has not been reported in individuals affected with hereditary cancer in the literature. This variant has been identified in 1/251182 chromosomes in the general population by the Genome Aggregation Database (gnomAD). The available evidence is insufficient to determine the role of this variant in disease conclusively. Therefore, this variant is classified as a Variant of Uncertain Significance.

This study involves interpretation of variants in research participants for the purpose of population health screening. Participant phenotype was not available at the time of variant classification. Additional details can be found in publication PMID: 35346344, PMCID: PMC8962531

Institute of Human Genetics, University of Goettingen
Classification: Uncertain significance for Familial adenomatous polyposis 1. Last evaluated: 2019-10-02. Review status: criteria provided, single submitter. Criteria: ACMG Guidelines, 2015. Collection method: clinical testing. Allele origin: unknown. Inheritance: Autosomal dominant inheritance. Affected: yes. Observed: 1 heterozygote.
Comment: For the following reasons, the APC sequence variant c.681C>G (p.Asp227Glu) is assessed by us as a "variant of uncertain significance" (VUS) with possibly benign character: 1. a comparison with the ExAC and gnomAD databases did not provide any indication that this sequence change is a norm variant that can also be detected in non-affected individuals (gnomAD population frequecy: 0.0004%); 2. the variant is listed twice in ClinVar as a VUS; 3. the variant has a benign computational verdict due to 9 benign predictions from DANN, DEOGEN2, FATHMM-XF, GERP, MutationAssessor, PROVEAN, PrimateAI, SIFT and SIFT4G vs. 5 pathogenic predictions from FATHMM, FATHMM-MKL, LRT, M-CAP and MutationTaster; 4. the position of this variant is not conserved; 5. the base exchange leads to a missense mutation in the APC gene; most of the described pathogenic mutations in the APC gene are frame shift and nonsense mutations.

NM_000038.6(APC):c.681C>G (p.Asp227Glu)

Gene: APC (APC regulator of Wnt signaling pathway; plus strand). Cytogenetic location: 5q22.2.
Variant type: single nucleotide variant.
Coding change: c.681C>G on transcript NM_000038.6 (MANE Select); coding-DNA position 681, C replaced by G.
Protein change: p.Asp227Glu; replaces aspartic acid 227 with glutamic acid.
Molecular consequence: missense variant. On other transcripts: 5 prime UTR variant (1), intron variant (2).
Genome position (GRCh38, 1-based): chr5:112,792,481, C>G. VCF-style: chr5-112792481-C-G. GRCh37 (hg19) VCF-style: chr5-112128178-C-G.
Other names: c.681C>G, p.Asp227Glu (NM_001127510.3, NM_001354895.2, NM_001354896.2 and 1 more transcripts); c.711C>G, p.Asp237Glu (NM_001354897.2, NM_001354902.2); c.606C>G, p.Asp202Glu (NM_001354898.2, NM_001354904.2); c.504C>G, p.Asp168Glu (NM_001354900.2, NM_001354901.2, NM_001354905.2); c.-355C>G (NM_001354906.2); c.676-8798C>G (NM_001127511.3); c.646-8798C>G (NM_001354899.2); short protein forms D227E, D237E, D168E, D202E.
Identifiers: ClinVar variation 411535 (VCV000411535.27), dbSNP rs1060503359, ClinGen allele CA16022828.
Genomic context (GRCh38, chr5:112,792,481, plus strand): 5'-AATTAGGTTTCTTGTTTTATTTTAGCGAAGAATAGCCAGAATTCAGCAAATCGAAAAGGA[C>G]ATACTTCGTATACGACAGCTTTTACAGTCCCAAGCAACAGAAGCAGAGGTTAGTAAATTG-3'
Protein context (NP_000029.2, residues 217-237): RIARIQQIEK[Asp227Glu]ILRIRQLLQS